The following is an entry in ClinVar:

ClinVar aggregate classification (germline): Uncertain significance (1 of 4 stars; one submission).

Allele frequency attached by ClinVar (database versions not stated): gnomAD exomes 0.00001; ExAC 0.00002; TOPMed 0.00002; gnomAD 0.00003.
gnomAD v4.1: 18 of 1,613,790 alleles (0.0011%); highest among the groups gnomAD compares: African/African-American, 0.0027%; no homozygotes.

Submissions (2):

Labcorp Genetics (formerly Invitae), Labcorp
Classification: Uncertain significance. Last evaluated: 2023-05-05. Review status: criteria provided, single submitter. Criteria: Invitae Variant Classification Sherloc (09022015). Collection method: clinical testing. Allele origin: germline.
Comment: In summary, the available evidence is currently insufficient to determine the role of this variant in disease. Therefore, it has been classified as a Variant of Uncertain Significance. An algorithm developed to predict the effect of missense changes on protein structure and function (PolyPhen-2) suggests that this variant is likely to be disruptive. This variant has not been reported in the literature in individuals affected with NCKAP1L-related conditions. This variant is present in population databases (rs781139152, gnomAD 0.008%). This sequence change replaces arginine, which is basic and polar, with tryptophan, which is neutral and slightly polar, at codon 838 of the NCKAP1L protein (p.Arg838Trp).

Dr. Peter K. Rogan Lab, Western University
No classification provided (evidence only). Condition: Malignant tumor of urinary bladder. Review status: no classification provided. Collection method: in vitro. Allele origin: not applicable. Functional consequence: retained intron. Not counted in ClinVar's aggregate classification.

NM_005337.5(NCKAP1L):c.2512C>T (p.Arg838Trp)

Gene: NCKAP1L (NCK associated protein 1 like; plus strand). Cytogenetic location: 12q13.2.
Variant type: single nucleotide variant.
Coding change: c.2512C>T on transcript NM_005337.5 (MANE Select); coding-DNA position 2512, C replaced by T.
Protein change: p.Arg838Trp; replaces arginine 838 with tryptophan.
Molecular consequence: missense variant.
Genome position (GRCh38, 1-based): chr12:54,531,265, C>T. VCF-style: chr12-54531265-C-T. GRCh37 (hg19) VCF-style: chr12-54925049-C-T.
Other names: c.2362C>T, p.Arg788Trp (NM_001184976.2); short protein forms R838W, R788W.
Identifiers: ClinVar variation 2913363 (VCV002913363.4), dbSNP rs781139152, ClinGen allele CA6609461.